The following is an entry in ClinVar:

ClinVar aggregate classification (germline): Uncertain significance (1 of 4 stars; one submission).

gnomAD v4.1: 4 of 1,612,844 alleles (0.00025%); highest among the groups gnomAD compares: South Asian, 0.0011%; no homozygotes.

Submission:

Mayo Clinic Laboratories, Mayo Clinic
Classification: Uncertain significance. Last evaluated: 2025-07-30. Review status: criteria provided, single submitter. Criteria: ACMG Guidelines, 2015. Collection method: clinical testing. Allele origin: germline. Observed: 1 variant allele.
Comment: PP3_moderate, PM2_supporting

NM_000182.5(HADHA):c.1484T>C (p.Ile495Thr)

Genes: GAREM2 (GRB2 associated regulator of MAPK1 subtype 2; plus strand), HADHA (hydroxyacyl-CoA dehydrogenase trifunctional multienzyme complex subunit alpha; minus strand). Cytogenetic location: 2p23.3.
Variant type: single nucleotide variant.
Coding change: c.1484T>C on transcript NM_000182.5 (MANE Select); coding-DNA position 1484, T replaced by C.
Protein change: p.Ile495Thr; replaces isoleucine 495 with threonine.
Molecular consequence: missense variant.
Genome position (GRCh38, 1-based): chr2:26,195,228, A>G on the plus strand (T>C on the coding strand, the complement: HADHA is on the minus strand). VCF-style: chr2-26195228-A-G. GRCh37 (hg19) VCF-style: chr2-26418097-A-G.
Other names: p.Ile495Thr; short protein forms I495T.
Identifiers: ClinVar variation 4542542 (VCV004542542.1).
Genomic context (GRCh38, chr2:26,195,228, plus strand): 5'-TCGGTCGTGATAATCTCCAGCAGCTGCATCTTGTCCACGGGAGAGAAGTAGTGCATGCCA[A>G]TCACCTGGCAAGGGGAACCAAAAGCCAACAGATCGGAGAATGCGGGTGAGGAACCTGAGA-3'
Protein context (NP_000173.2, residues 485-505): AAVSKRPEKV[Ile495Thr]GMHYFSPVDK